The following is an entry in ClinVar:

NM_000257.4(MYH7):c.5740G>A (p.Glu1914Lys)

Gene: MYH7 (myosin heavy chain 7; minus strand). Cytogenetic location: 14q11.2.
Variant type: single nucleotide variant.
Coding change: c.5740G>A on transcript NM_000257.4 (MANE Select); coding-DNA position 5740, G replaced by A.
Protein change: p.Glu1914Lys; replaces glutamic acid 1914 with lysine.
Molecular consequence: missense variant.
Genome position (GRCh38, 1-based): chr14:23,413,809, C>T on the plus strand (G>A on the coding strand, the complement: MYH7 is on the minus strand). VCF-style: chr14-23413809-C-T. GRCh37 (hg19) VCF-style: chr14-23883018-C-T.
Other names: NM_000257.3(MYH7):c.5740G>A; NM_000257.4(MYH7):c.5740G>A; short protein forms E1914K.
Identifiers: ClinVar variation 43088 (VCV000043088.42), dbSNP rs397516254, ClinGen allele CA016441.
Genomic context (GRCh38, chr14:23,413,809, plus strand): 5'-AGGGACCCACCTTCGTGCCAATGTCACGGCTCTTGGCCCGCAGCTTGTTGACCTGGGACT[C>T]GGCGATGTCCGCCCGCTCCTCTGCCTCATCCAGCTCGTGCTGCACCTTGCGGAACTTGGA-3'
Protein context (NP_000248.2, residues 1904-1924): DEAEERADIA[Glu1914Lys]SQVNKLRAKS

ClinVar aggregate classification (germline): Likely pathogenic. Review status: reviewed by expert panel (3 of 4 stars). 9 submissions from 9 submitters: Likely pathogenic (1). 8 of the submissions do not count toward it. Last evaluated 2021-03-22.

Conditions:
MYH7-related disorder. Also called: MYH7-related condition; MYH7-related disease; MYH7-related disorders.
MYH7-related skeletal myopathy. Also called: MYOPATHY, DISTAL, EARLY-ONSET, AUTOSOMAL DOMINANT; MYOPATHY, LATE DISTAL HEREDITARY; Laing distal myopathy; Laing early-onset distal myopathy; Myopathy, distal, 1. Identifiers: Orphanet 59135, MedGen C4552004, MONDO:0008050, OMIM 160500.
Dilated cardiomyopathy 1S (CMD1S). Identifiers: Orphanet 154, Orphanet 54260, MedGen C1834481, MONDO:0013262, OMIM 613426.
Cardiomyopathy (CMYO). Also called: Cardiomyopathies. Identifiers: Orphanet 167848, MedGen C0878544, MONDO:0004994, HP:0001638. Inheritance: Various modes of inheritance.
Primary dilated cardiomyopathy (DCM). Also called: Dilated Cardiomyopathy. Identifiers: Orphanet 217604, MedGen C0007193, MeSH D002311, MONDO:0005021, HP:0001644. Inheritance: Various modes of inheritance.
Hypertrophic cardiomyopathy. Also called: HYPERTROPHIC MYOCARDIOPATHY. Identifiers: Orphanet 217569, MedGen C0007194, MeSH D002312, MONDO:0005045, HP:0001639.

Submissions (9):

ClinGen Cardiomyopathy Variant Curation Expert Panel
Classification: Likely pathogenic for Primary dilated cardiomyopathy. Last evaluated: 2021-03-22. Review status: reviewed by expert panel. Criteria: ClinGen CMP ACMG Specifications v1. Collection method: curation. Allele origin: germline. Inheritance: Autosomal dominant inheritance.
Comment: The c.5740G>A (p.Glu1914Lys) variant in MYH7 has been reported in at least 6 individuals with complex cardiomyopathy presentations, including predominantly dilated cardiomyopathy, features of LVNC, and restrictive physiology with early-onset in multiple instances (Lakdawala 2012 PMID: 22464770; Pugh 2014 PMID: 24503780; Lamont 2015 PMID: 20301606; Walsh 2017 PMID: 27532257; Wang 2017 PMID: 28855170; Miura 2019 PMID: 30996762). This variant segregated with disease in 2 affected siblings from 1 family (Miura 2019 PMID: 30996762); however this data is currently insufficient to apply PP1. This variant has been confirmed de novo occurrence in 2 of the above reported individuals with additional features of myopathy (PS2; Lamont 2014 PMID24664454). This variant was absent from large population studies (PM2;, v2.1.1). Computational prediction tools and conservation analysis suggest that this variant may impact the protein (PP3). In summary, this variant meets criteria to be classified as likely pathogenic for dilated cardiomyopathy in an autosomal dominant manner. MYH7-specific ACMG/AMP criteria applied (Kelly 2018 PMID:29300372): PS4_Moderate; PS2; PM2; PP3

Labcorp Genetics (formerly Invitae), Labcorp
Classification: Pathogenic for Hypertrophic cardiomyopathy. Last evaluated: 2025-08-10. Review status: criteria provided, single submitter. Criteria: Invitae Variant Classification Sherloc (09022015). Collection method: clinical testing. Allele origin: germline. Not counted in ClinVar's aggregate classification.
Comment: This sequence change replaces glutamic acid, which is acidic and polar, with lysine, which is basic and polar, at codon 1914 of the MYH7 protein (p.Glu1914Lys). This variant is not present in population databases (gnomAD no frequency). This missense change has been observed in individual(s) with dilated cardiomyopathy, hypertrophic cardiomyopathy, and/or additional features of skeletal myopathy (PMID: 22464770, 24664454, 27532257, 28855170, 30996762). In at least one individual the variant was observed to be de novo. ClinVar contains an entry for this variant (Variation ID: 43088). Invitae Evidence Modeling of protein sequence and biophysical properties (such as structural, functional, and spatial information, amino acid conservation, physicochemical variation, residue mobility, and thermodynamic stability) indicates that this missense variant is expected to disrupt MYH7 protein function with a positive predictive value of 95%. For these reasons, this variant has been classified as Pathogenic.

CeGaT Center for Human Genetics Tuebingen
Classification: Pathogenic. Last evaluated: 2022-10-01. Review status: criteria provided, single submitter. Criteria: CeGaT Center For Human Genetics Tuebingen Variant Classification Criteria Version 2. Collection method: clinical testing. Allele origin: germline. Affected: yes. Observed: 1 variant allele. Not counted in ClinVar's aggregate classification.
Comment: MYH7: PS4, PM1, PM2, PP2, PP3

Blueprint Genetics
Classification: Pathogenic for MYH7-related disorders. Last evaluated: 2022-03-25. Review status: criteria provided, single submitter. Criteria: ACMG Guidelines, 2015. Collection method: clinical testing. Allele origin: germline. Affected: yes. Observed: 1 variant allele. Not counted in ClinVar's aggregate classification.

CHEO Genetics Diagnostic Laboratory, Children's Hospital of Eastern Ontario
Classification: Likely pathogenic for Cardiomyopathy. Last evaluated: 2022-03-18. Review status: criteria provided, single submitter. Criteria: ACMG Guidelines, 2015. Collection method: clinical testing. Allele origin: germline. Not counted in ClinVar's aggregate classification.

Baylor Genetics
Classification: Pathogenic for Dilated cardiomyopathy 1S. Last evaluated: 2020-02-19. Review status: criteria provided, single submitter. Criteria: ACMG Guidelines, 2015. Collection method: clinical testing. Allele origin: unknown. Affected: yes. Not counted in ClinVar's aggregate classification.
Comment: This variant was determined to be pathogenic according to ACMG Guidelines, 2015 [PMID:25741868].

Laboratory for Molecular Medicine, Mass General Brigham Personalized Medicine
Classification: Pathogenic for Primary dilated cardiomyopathy. Last evaluated: 2016-01-29. Review status: criteria provided, single submitter. Criteria: LMM Criteria. Collection method: clinical testing. Allele origin: germline. Observed: 2 variant alleles. Not counted in ClinVar's aggregate classification.
Comment: The p.Glu1914Lys variant in MYH7 has been previously identified in 3 individuals with childhood onset of DCM and was de novo in two of them with parental relati onships confirmed (Lakdawala 2012, Lamont 2014, Pugh 2014). It was absent from l arge population studies. This variant was predicted to be pathogenic using a com putational tool clinically validated by our laboratory. This tool's pathogenic p rediction is estimated to be correct 94% of the time (Jordan 2011). In summary, this variant meets our criteria to be classified as pathogenic.

Neurogenetics Laboratory, Royal Perth Hospital
Classification: Pathogenic for Myopathy, distal, 1; Dilated cardiomyopathy 1S. Last evaluated: 2013-01-01. Review status: no assertion criteria provided. Collection method: clinical testing. Allele origin: germline. Affected: yes. Observed: 2 variant alleles. Not counted in ClinVar's aggregate classification.

GeneReviews
No classification provided. Condition: MYH7-related skeletal myopathy. Review status: no classification provided. Collection method: literature only. Allele origin: germline. Not counted in ClinVar's aggregate classification.

Literature cited by the submitters: PubMed 24664454 (cited by 5 submitters); PubMed 27532257 (cited by ClinGen Cardiomyopathy Variant Curation Expert Panel and Labcorp Genetics (formerly Invitae), Labcorp); PubMed 29300372 (cited by ClinGen Cardiomyopathy Variant Curation Expert Panel); PubMed 22464770 (cited by Labcorp Genetics (formerly Invitae), Labcorp and Laboratory for Molecular Medicine, Mass General Brigham Personalized Medicine); PubMed 28855170 (cited by Labcorp Genetics (formerly Invitae), Labcorp); PubMed 30996762 (cited by Labcorp Genetics (formerly Invitae), Labcorp); PubMed 24503780 (cited by Laboratory for Molecular Medicine, Mass General Brigham Personalized Medicine); NCBI Bookshelf NBK1433 (cited by GeneReviews).